The following is an entry in ClinVar:

NM_207346.3(TSEN54):c.197_198delinsGT (p.Leu66Arg)

Gene: TSEN54 (tRNA splicing endonuclease subunit 54; plus strand). Cytogenetic location: 17q25.1.
Variant type: Indel.
Coding change: c.197_198delinsGT on transcript NM_207346.3 (MANE Select); coding-DNA positions 197 to 198, TG replaced by GT.
Protein change: p.Leu66Arg; replaces leucine 66 with arginine.
Molecular consequence: missense variant.
Genome position (GRCh38, 1-based): chr17:75,516,886-75,516,887, TG replaced by GT. VCF-style: chr17-75516886-TG-GT. GRCh37 (hg19) VCF-style: chr17-73512967-TG-GT.
Other names: short protein forms L66R.
Identifiers: ClinVar variation 1999677 (VCV001999677.4), dbSNP rs2546151061, ClinGen allele CA2580095150.

ClinVar aggregate classification (germline): Uncertain significance (1 of 4 stars; one submission).

Submission:

Labcorp Genetics (formerly Invitae), Labcorp
Classification: Uncertain significance. Last evaluated: 2022-11-01. Review status: criteria provided, single submitter. Criteria: Invitae Variant Classification Sherloc (09022015). Collection method: clinical testing. Allele origin: germline.
Comment: This variant has not been reported in the literature in individuals affected with TSEN54-related conditions. Algorithms developed to predict the effect of missense changes on protein structure and function are either unavailable or do not agree on the potential impact of this missense change (SIFT: "Not Available"; PolyPhen-2: "Probably Damaging"; Align-GVGD: "Not Available"). In summary, the available evidence is currently insufficient to determine the role of this variant in disease. Therefore, it has been classified as a Variant of Uncertain Significance. Information on the frequency of this variant in the gnomAD database is not available, as this variant may be reported differently in the database. This sequence change replaces leucine, which is neutral and non-polar, with arginine, which is basic and polar, at codon 66 of the TSEN54 protein (p.Leu66Arg).